The following is an entry in ClinVar:

ClinVar aggregate classification (germline): Uncertain significance. Review status: criteria provided, multiple submitters, no conflicts (2 of 4 stars). 2 submissions from 2 submitters: Uncertain significance (2). Last evaluated 2026-03-12.

Conditions:
Familial thoracic aortic aneurysm and aortic dissection (TAAD). Also called: Thoracic aortic aneurysms and dissections. Identifiers: Orphanet 91387, MedGen C4707243, MONDO:0019625.
Heterotopia, periventricular, X-linked dominant (PVNH1). Also called: PERIVENTRICULAR NODULAR HETEROTOPIA 1; X-linked periventricular heterotopia; PERIVENTRICULAR NODULAR HETEROTOPIA 4; HETEROTOPIA, PERIVENTRICULAR, 1. Identifiers: Orphanet 2149, Orphanet 82004, MedGen C1848213, MONDO:0010233, OMIM 300049.
Melnick-Needles syndrome (MNS). Also called: Melnick-Needles Syndrome (FLNA-MNS); MELNICK-NEEDLES OSTEODYSPLASTY; OSTEODYSPLASTY OF MELNICK AND NEEDLES. Identifiers: Orphanet 2484, MedGen C0025237, MONDO:0010650, OMIM 309350.
Frontometaphyseal dysplasia (FMD1). Identifiers: Orphanet 1826, MedGen C0265293, MONDO:0015942.
Oto-palato-digital syndrome, type II (OPD2). Also called: Otopalatodigital Syndrome Type 2 (FLNA-OPD2); FACIOPALATOOSSEOUS SYNDROME; OPD II SYNDROME; Otopalatodigital Syndrome, Type II. Identifiers: Orphanet 669, Orphanet 90652, MedGen C1844696, MONDO:0010571, OMIM 304120.

gnomAD v4.1: 1 of 1,209,314 alleles (0.000083%); highest among the groups gnomAD compares: Non-Finnish European, 0.00011%; no homozygotes.

Submissions (2):

Ambry Genetics
Classification: Uncertain significance for Familial thoracic aortic aneurysm and aortic dissection. Last evaluated: 2026-03-12. Review status: criteria provided, single submitter. Criteria: Ambry Variant Classification Scheme 2023. Collection method: clinical testing. Allele origin: germline.
Comment: The p.G1083D variant (also known as c.3248G>A), located in coding exon 21 of the FLNA gene, results from a G to A substitution at nucleotide position 3248. The glycine at codon 1083 is replaced by aspartic acid, an amino acid with similar properties. This amino acid position is conserved. In addition, this alteration is predicted to be deleterious by in silico analysis. Based on the available evidence, the clinical significance of this variant remains unclear.

Labcorp Genetics (formerly Invitae), Labcorp
Classification: Uncertain significance for Oto-palato-digital syndrome, type II; Heterotopia, periventricular, X-linked dominant; Frontometaphyseal dysplasia; Melnick-Needles syndrome. Last evaluated: 2021-04-24. Review status: criteria provided, single submitter. Criteria: Invitae Variant Classification Sherloc (09022015). Collection method: clinical testing. Allele origin: germline.
Comment: In summary, the available evidence is currently insufficient to determine the role of this variant in disease. Therefore, it has been classified as a Variant of Uncertain Significance. Algorithms developed to predict the effect of missense changes on protein structure and function are either unavailable or do not agree on the potential impact of this missense change (SIFT: "Deleterious"; PolyPhen-2: "Possibly Damaging"; Align-GVGD: "Class C0"). This variant has not been reported in the literature in individuals with FLNA-related conditions. This variant is not present in population databases (ExAC no frequency). This sequence change replaces glycine with aspartic acid at codon 1083 of the FLNA protein (p.Gly1083Asp). The glycine residue is highly conserved and there is a moderate physicochemical difference between glycine and aspartic acid.

NM_001110556.2(FLNA):c.3248G>A (p.Gly1083Asp)

Gene: FLNA (filamin A; minus strand). Cytogenetic location: Xq28.
Variant type: single nucleotide variant.
Coding change: c.3248G>A on transcript NM_001110556.2 (MANE Select); coding-DNA position 3248, G replaced by A.
Protein change: p.Gly1083Asp; replaces glycine 1083 with aspartic acid.
Molecular consequence: missense variant.
Genome position (GRCh38, 1-based): chrX:154,360,547, C>T on the plus strand (G>A on the coding strand, the complement: FLNA is on the minus strand). VCF-style: chrX-154360547-C-T. GRCh37 (hg19) VCF-style: chrX-153588915-C-T.
Other names: c.3248G>A, p.Gly1083Asp (NM_001456.4); c.3248G>A (NM_001456.3); short protein forms G1083D.
Identifiers: ClinVar variation 1523943 (VCV001523943.9), dbSNP rs2148112438, ClinGen allele CA415229242.